The following is an entry in ClinVar:

ClinVar aggregate classification (germline): Benign/Likely benign. Review status: criteria provided, multiple submitters, no conflicts (2 of 4 stars). 8 submissions from 6 submitters: Benign (7); Likely benign (1). Last evaluated 2026-02-04.

Conditions:
Thrombophilia due to thrombin defect (THPH1). Also called: Thrombosis susceptibility; THROMBOPHILIA DUE TO FACTOR 2 DEFECT; Prothrombin-Related Thrombophilia (Factor II); Prothrombin Thrombophilia. Identifiers: MedGen C3160733, MONDO:0008559, OMIM 188050. Disease mechanism: gain of function, loss of function.
Congenital factor V deficiency. Also called: LABILE FACTOR DEFICIENCY; OWREN PARAHEMOPHILIA; PARAHEMOPHILIA; Hereditary factor V deficiency disease. Identifiers: Orphanet 326, MedGen C0015499, MONDO:0009210, OMIM 227400.
Budd-Chiari syndrome (BDCHS). Also called: Hepatic vein obstruction. Identifiers: Orphanet 131, MedGen C0856761, MONDO:0010947, OMIM 600880, HP:0002639.
Factor V deficiency. Also called: Reduced coagulation factor V activity. Identifiers: Orphanet 326, MedGen C4317320, MONDO:0020586, HP:0003225.

Allele frequency attached by ClinVar (database versions not stated): 1000 Genomes Project 30x 0.05028; 1000 Genomes Project 0.05092; ESP Exome Variant Server 0.05567; TOPMed 0.05975; gnomAD 0.06356 and 0.06463; ExAC 0.07208; gnomAD exomes 0.07459 and 0.07585.
gnomAD v4.1: 118,811 of 1,613,998 alleles (7.4%); highest among the groups gnomAD compares: Admixed American, 10%; 4,953 homozygotes.

Submissions (8):

Labcorp Genetics (formerly Invitae), Labcorp
Classification: Benign for Congenital factor V deficiency. Last evaluated: 2026-02-04. Review status: criteria provided, single submitter. Criteria: Invitae Variant Classification Sherloc (09022015). Collection method: clinical testing. Allele origin: germline.

GeneDx
Classification: Benign. Last evaluated: 2021-05-04. Review status: criteria provided, single submitter. Criteria: GeneDx Variant Classification Process June 2021. Collection method: clinical testing. Allele origin: germline. Affected: yes.

Illumina Laboratory Services, Illumina
Classification: Benign for Venous thrombosis. Last evaluated: 2018-01-13. Review status: criteria provided, single submitter. Criteria: ICSL Variant Classification Criteria 13 December 2019. Collection method: clinical testing. Allele origin: germline.
Comment: This variant was observed in the ICSL laboratory as part of a predisposition screen in an ostensibly healthy population. It had not been previously curated by ICSL or reported in the Human Gene Mutation Database (HGMD: prior to June 1st, 2018), and was therefore a candidate for classification through an automated scoring system. Utilizing variant allele frequency, disease prevalence and penetrance estimates, and inheritance mode, an automated score was calculated to assess if this variant is too frequent to cause the disease. Based on the score and internal cut-off values, a variant classified as benign is not then subjected to further curation. The score for this variant resulted in a classification of benign for this disease.

Illumina Laboratory Services, Illumina
Classification: Benign for Budd-Chiari syndrome. Last evaluated: 2018-01-13. Review status: criteria provided, single submitter. Criteria: ICSL Variant Classification Criteria 13 December 2019. Collection method: clinical testing. Allele origin: germline.
Comment: the same text as in the submission from Illumina Laboratory Services, Illumina above.

Illumina Laboratory Services, Illumina
Classification: Benign for Congenital factor V deficiency. Last evaluated: 2018-01-13. Review status: criteria provided, single submitter. Criteria: ICSL Variant Classification Criteria 13 December 2019. Collection method: clinical testing. Allele origin: germline.
Comment: the same text as in the submission from Illumina Laboratory Services, Illumina above.

Mayo Clinic Laboratories, Mayo Clinic
Classification: Benign. Last evaluated: 2016-05-26. Review status: criteria provided, single submitter. Criteria: ACMG Guidelines, 2015. Collection method: clinical testing. Allele origin: germline. Observed: 34 variant alleles.

Breakthrough Genomics
Classification: Likely benign. Review status: criteria provided, single submitter. Criteria: ACMG Guidelines, 2015. Collection method: not provided. Allele origin: germline. Inheritance: Autosomal recessive inheritance. Affected: yes.

PreventionGenetics, part of Exact Sciences
Classification: Benign. Review status: criteria provided, single submitter. Criteria: ACMG Guidelines, 2015. Collection method: clinical testing. Allele origin: germline.

NM_000130.5(F5):c.1716G>A (p.Glu572=)

Gene: F5 (coagulation factor V; minus strand). Cytogenetic location: 1q24.2.
Variant type: single nucleotide variant.
Coding change: c.1716G>A on transcript NM_000130.5 (MANE Select); coding-DNA position 1716, G replaced by A.
Protein change: p.Glu572=; no amino-acid change (glutamic acid 572 retained).
Molecular consequence: synonymous variant.
Genome position (GRCh38, 1-based): chr1:169,546,488, C>T on the plus strand (G>A on the coding strand, the complement: F5 is on the minus strand). VCF-style: chr1-169546488-C-T. GRCh37 (hg19) VCF-style: chr1-169515726-C-T.
Other names: p.Glu572=.
Identifiers: ClinVar variation 255191 (VCV000255191.14), dbSNP rs6036, ClinGen allele CA1234260.